The following is an entry in ClinVar:

NM_000038.6(APC):c.273G>A (p.Met91Ile)

Gene: APC (APC regulator of Wnt signaling pathway; plus strand). Cytogenetic location: 5q22.2.
Variant type: single nucleotide variant.
Coding change: c.273G>A on transcript NM_000038.6 (MANE Select); coding-DNA position 273, G replaced by A.
Protein change: p.Met91Ile; replaces methionine 91 with isoleucine.
Molecular consequence: missense variant. On other transcripts: 5 prime UTR variant (1).
Genome position (GRCh38, 1-based): chr5:112,767,241, G>A. VCF-style: chr5-112767241-G-A. GRCh37 (hg19) VCF-style: chr5-112102938-G-A.
Other names: c.273G>A, p.Met91Ile (NM_001127510.3, NM_001354895.2, NM_001354896.2 and 2 more transcripts); c.303G>A, p.Met101Ile (NM_001127511.3, NM_001354897.2, NM_001354902.2); c.198G>A, p.Met66Ile (NM_001354898.2, NM_001354904.2); c.96G>A, p.Met32Ile (NM_001354900.2, NM_001354901.2, NM_001354905.2); c.-763G>A (NM_001354906.2); short protein forms M101I, M91I, M32I, M66I.
Identifiers: ClinVar variation 630108 (VCV000630108.19), dbSNP rs745394881, ClinGen allele CA033250.

ClinVar aggregate classification (germline): Conflicting classifications of pathogenicity. Review status: criteria provided, conflicting classifications (1 of 4 stars). 5 submissions from 5 submitters: Uncertain significance (4); Likely benign (1). Last evaluated 2024-08-26.

Conditions:
Hereditary cancer-predisposing syndrome. Also called: Neoplastic Syndromes, Hereditary; Tumor predisposition; Hereditary neoplastic syndrome; Hereditary Cancer Syndrome. Identifiers: Orphanet 140162, MedGen C0027672, MeSH D009386, MONDO:0015356.
Familial adenomatous polyposis 1 (FAP1). Also called: POLYPOSIS, ADENOMATOUS INTESTINAL; FAMILIAL ADENOMATOUS POLYPOSIS 1, ATTENUATED. Identifiers: MedGen C2713442, MONDO:0021056, OMIM 175100. Disease mechanism: loss of function.

Allele frequency attached by ClinVar (database versions not stated): gnomAD exomes 0.00001; ExAC 0.00002.
gnomAD v4.1: 3 of 1,614,148 alleles (0.00019%); highest among the groups gnomAD compares: South Asian, 0.0033%; no homozygotes.

Submissions (5):

Color Diagnostics, LLC DBA Color Health
Classification: Uncertain significance for Hereditary cancer-predisposing syndrome. Last evaluated: 2024-08-26. Review status: criteria provided, single submitter. Criteria: ACMG Guidelines, 2015. Collection method: clinical testing. Allele origin: germline.
Comment: This missense variant replaces methionine with isoleucine at codon 91 of the APC protein. Computational prediction suggests that this variant may not impact protein structure and function (internally defined REVEL score threshold <= 0.5, PMID: 27666373). To our knowledge, functional studies have not been reported for this variant. This variant has not been reported in individuals affected with APC-related disorders in the literature. This variant has been identified in 3/251468 chromosomes in the general population by the Genome Aggregation Database (gnomAD). The available evidence is insufficient to determine the role of this variant in disease conclusively. Therefore, this variant is classified as a Variant of Uncertain Significance.

Quest Diagnostics Nichols Institute San Juan Capistrano
Classification: Uncertain significance. Last evaluated: 2024-07-12. Review status: criteria provided, single submitter. Criteria: Quest Diagnostics criteria. Collection method: clinical testing. Allele origin: unknown.
Comment: The APC c.273G>A (p.Met91Ile) variant has not been reported in individuals with APC-related conditions in the published literature. The frequency of this variant in the general population, 0.000098 (3/30616 chromosomes in South Asian subpopulation (Genome Aggregation Database)), is higher than would generally be expected for pathogenic variants in this gene. Analysis of this variant using bioinformatics tools for the prediction of the effect of amino acid changes on protein structure and function yielded predictions that this variant is benign. Based on the available information, we are unable to determine the clinical significance of this variant.

Ambry Genetics
Classification: Likely benign for Hereditary cancer-predisposing syndrome. Last evaluated: 2023-11-21. Review status: criteria provided, single submitter. Criteria: Ambry Variant Classification Scheme 2023. Collection method: clinical testing. Allele origin: germline.

Baylor Genetics
Classification: Uncertain significance for Familial adenomatous polyposis 1. Last evaluated: 2023-06-28. Review status: criteria provided, single submitter. Criteria: ACMG Guidelines, 2015. Collection method: clinical testing. Allele origin: unknown.

Labcorp Genetics (formerly Invitae), Labcorp
Classification: Uncertain significance for Familial adenomatous polyposis 1. Last evaluated: 2022-01-30. Review status: criteria provided, single submitter. Criteria: Invitae Variant Classification Sherloc (09022015). Collection method: clinical testing. Allele origin: germline.
Comment: In summary, the available evidence is currently insufficient to determine the role of this variant in disease. Therefore, it has been classified as a Variant of Uncertain Significance. Algorithms developed to predict the effect of missense changes on protein structure and function (SIFT, PolyPhen-2, Align-GVGD) all suggest that this variant is likely to be tolerated. ClinVar contains an entry for this variant (Variation ID: 630108). This variant has not been reported in the literature in individuals affected with APC-related conditions. This variant is present in population databases (rs745394881, gnomAD 0.01%). This sequence change replaces methionine, which is neutral and non-polar, with isoleucine, which is neutral and non-polar, at codon 91 of the APC protein (p.Met91Ile).